The following is an entry in ClinVar:

ClinVar aggregate classification (germline): Benign/Likely benign. Review status: criteria provided, multiple submitters, no conflicts (2 of 4 stars). 5 submissions from 5 submitters: Benign (4); Likely benign (1). Last evaluated 2026-02-02.

Conditions:
Microphthalmia, syndromic 9. Also called: PULMONARY AGENESIS, MICROPHTHALMIA, AND DIAPHRAGMATIC DEFECT; ANOPHTHALMIA, CLINICAL, WITH MILD FACIAL DYSMORPHISM AND VARIABLE MALFORMATIONS OF THE LUNG, HEART, AND DIAPHRAGM; ANOPHTHALMIA/MICROPHTHALMIA AND PULMONARY HYPOPLASIA; SPEAR SYNDROME; Matthew-Wood syndrome. Identifiers: Orphanet 2470, MedGen C1832661, MONDO:0011010, OMIM 601186.

Allele frequency attached by ClinVar (database versions not stated): 1000 Genomes Project 30x 0.06074; 1000 Genomes Project 0.06170; TOPMed 0.12948; gnomAD exomes 0.14474 and 0.18976; gnomAD 0.14602 and 0.15148; ExAC 0.14613; ESP Exome Variant Server 0.16405.
gnomAD v4.1: 298,340 of 1,613,882 alleles (18%); highest among the groups gnomAD compares: Non-Finnish European, 21%; 31,538 homozygotes.

Submissions (5):

Labcorp Genetics (formerly Invitae), Labcorp
Classification: Benign for Microphthalmia, syndromic 9. Last evaluated: 2026-02-02. Review status: criteria provided, single submitter. Criteria: Invitae Variant Classification Sherloc (09022015). Collection method: clinical testing. Allele origin: germline.

Blueprint Genetics
Classification: Likely benign. Last evaluated: 2024-11-27. Review status: criteria provided, single submitter. Criteria: ACMG Guidelines, 2015. Collection method: clinical testing. Allele origin: germline.

Illumina Laboratory Services, Illumina
Classification: Benign for Microphthalmia, syndromic 9. Last evaluated: 2018-01-13. Review status: criteria provided, single submitter. Criteria: ICSL Variant Classification Criteria 13 December 2019. Collection method: clinical testing. Allele origin: germline.
Comment: This variant was observed in the ICSL laboratory as part of a predisposition screen in an ostensibly healthy population. It had not been previously curated by ICSL or reported in the Human Gene Mutation Database (HGMD: prior to June 1st, 2018), and was therefore a candidate for classification through an automated scoring system. Utilizing variant allele frequency, disease prevalence and penetrance estimates, and inheritance mode, an automated score was calculated to assess if this variant is too frequent to cause the disease. Based on the score and internal cut-off values, a variant classified as benign is not then subjected to further curation. The score for this variant resulted in a classification of benign for this disease.

GeneDx
Classification: Benign. Last evaluated: 2015-03-03. Review status: criteria provided, single submitter. Criteria: GeneDx Variant Classification Process June 2021. Collection method: clinical testing. Allele origin: germline. Affected: yes.

Breakthrough Genomics
Classification: Benign. Review status: criteria provided, single submitter. Criteria: ACMG Guidelines, 2015. Collection method: not provided. Allele origin: germline. Inheritance: Autosomal recessive inheritance. Affected: yes.

NM_022369.4(STRA6):c.331C>T (p.Leu111=)

Gene: STRA6 (signaling receptor and transporter of retinol STRA6; minus strand). Cytogenetic location: 15q24.1.
Variant type: single nucleotide variant.
Coding change: c.331C>T on transcript NM_022369.4 (MANE Select); coding-DNA position 331, C replaced by T.
Protein change: p.Leu111=; no amino-acid change (leucine 111 retained).
Molecular consequence: synonymous variant.
Genome position (GRCh38, 1-based): chr15:74,196,083, G>A on the plus strand (C>T on the coding strand, the complement: STRA6 is on the minus strand). VCF-style: chr15-74196083-G-A. GRCh37 (hg19) VCF-style: chr15-74488424-G-A.
Other names: c.331C>T, p.Leu111= (NM_001142617.2, NM_001142618.2, NM_001142620.2); c.304C>T, p.Leu102= (NM_001142619.2); c.442C>T, p.Leu148= (NM_001199040.2); c.376C>T, p.Leu126= (NM_001199041.2); c.448C>T, p.Leu150= (NM_001199042.2).
Identifiers: ClinVar variation 317117 (VCV000317117.17), dbSNP rs11857410, ClinGen allele CA7655030.
Genomic context (GRCh38, chr15:74,196,083, plus strand): 5'-AGGCGAGAGTCAGGAAGGGCAATGCGTCCTCGTCGGGGAGCAGCAAACACAGGGAGCTCA[G>A]GAGGACCATGAAAACAGCAGCAGGCACTGCCCGGGGCCTGTCCCCAGCCAAGAAATCCAC-3'
Protein context (NP_071764.3, residues 101-121): AVPAAVFMVL[Leu111=]SSLCLLLPDE